The following is an entry in ClinVar:

NM_000039.3(APOA1):c.502C>A (p.Leu168Met)

Gene: APOA1 (apolipoprotein A1; minus strand). Cytogenetic location: 11q23.3.
Variant type: single nucleotide variant.
Coding change: c.502C>A on transcript NM_000039.3 (MANE Select); coding-DNA position 502, C replaced by A.
Protein change: p.Leu168Met; replaces leucine 168 with methionine.
Molecular consequence: missense variant.
Genome position (GRCh38, 1-based): chr11:116,836,110, G>T on the plus strand (C>A on the coding strand, the complement: APOA1 is on the minus strand). VCF-style: chr11-116836110-G-T. GRCh37 (hg19) VCF-style: chr11-116706826-G-T.
Other names: c.502C>A, p.Leu168Met (NM_001318017.2, NM_001318018.2, NM_001425090.1); c.175C>A, p.Leu59Met (NM_001318021.2, NM_001425091.1, NM_001425092.1); c.457C>A, p.Leu153Met (NM_001425093.1); short protein forms L59M, L168M, L153M.
Identifiers: ClinVar variation 3673579 (VCV003673579.2).

ClinVar aggregate classification (germline): Uncertain significance (1 of 4 stars; one submission).

gnomAD v4.1: 5 of 1,611,382 alleles (0.00031%); highest among the groups gnomAD compares: Non-Finnish European, 0.00042%; no homozygotes.

Submission:

Labcorp Genetics (formerly Invitae), Labcorp
Classification: Uncertain significance. Last evaluated: 2024-03-09. Review status: criteria provided, single submitter. Criteria: Invitae Variant Classification Sherloc (09022015). Collection method: clinical testing. Allele origin: germline.
Comment: This sequence change replaces leucine, which is neutral and non-polar, with methionine, which is neutral and non-polar, at codon 168 of the APOA1 protein (p.Leu168Met). This variant is not present in population databases (gnomAD no frequency). This variant has not been reported in the literature in individuals affected with APOA1-related conditions. Advanced modeling of protein sequence and biophysical properties (such as structural, functional, and spatial information, amino acid conservation, physicochemical variation, residue mobility, and thermodynamic stability) performed at Invitae indicates that this missense variant is expected to disrupt APOA1 protein function with a positive predictive value of 80%. In summary, the available evidence is currently insufficient to determine the role of this variant in disease. Therefore, it has been classified as a Variant of Uncertain Significance.